The following is an entry in ClinVar:

NM_003282.4(TNNI2):c.58-4G>A

Gene: TNNI2 (troponin I2, fast skeletal type; plus strand). Cytogenetic location: 11p15.5.
Variant type: single nucleotide variant.
Coding change: c.58-4G>A on transcript NM_003282.4 (MANE Select); 4 bases into the intron before coding-DNA position 58, G replaced by A.
Molecular consequence: intron variant.
Genome position (GRCh38, 1-based): chr11:1,840,524, G>A. VCF-style: chr11-1840524-G-A. GRCh37 (hg19) VCF-style: chr11-1861754-G-A.
Other names: c.58-4G>A (NM_001145829.2, NM_001145841.2).
Identifiers: ClinVar variation 513805 (VCV000513805.1), dbSNP rs373407613, ClinGen allele CA5815092.

ClinVar aggregate classification (germline): Likely benign (1 of 4 stars; one submission).

Allele frequency attached by ClinVar (database versions not stated): gnomAD exomes 0.00016; ExAC 0.00018; ESP Exome Variant Server 0.00023; gnomAD 0.00009 and 0.00010; TOPMed 0.00014.

Submission:

GeneDx
Classification: Likely benign. Last evaluated: 2017-12-05. Review status: criteria provided, single submitter. Criteria: GeneDx Variant Classification (06012015). Collection method: clinical testing. Allele origin: germline. Affected: yes.
Comment: This variant is considered likely benign or benign based on one or more of the following criteria: it is a conservative change, it occurs at a poorly conserved position in the protein, it is predicted to be benign by multiple in silico algorithms, and/or has population frequency not consistent with disease.